The following is an entry in ClinVar:

ClinVar aggregate classification (germline): Pathogenic. Review status: criteria provided, multiple submitters, no conflicts (2 of 4 stars). 4 submissions from 4 submitters: Pathogenic (4). Last evaluated 2025-06-25.

Conditions:
Hereditary cancer-predisposing syndrome. Also called: Tumor predisposition; Hereditary Cancer Syndrome; Hereditary neoplastic syndrome; Neoplastic Syndromes, Hereditary. Identifiers: Orphanet 140162, MedGen C0027672, MeSH D009386, MONDO:0015356.
Familial cancer of breast. Also called: BREAST CANCER, FAMILIAL; hereditary breast carcinoma; Hereditary breast cancer. Identifiers: Orphanet 227535, MedGen C0346153, MONDO:0016419, OMIM 114480. Disease mechanism: loss of function.
Ataxia-telangiectasia syndrome (AT). Also called: LOUIS-BAR SYNDROME; Cerebello-oculocutaneous telangiectasia; Immunodeficiency with ataxia telangiectasia; ATAXIA-TELANGIECTASIA, COMPLEMENTATION GROUP A; ATAXIA-TELANGIECTASIA, FRESNO VARIANT; Ataxia-telangiectasia. Identifiers: Orphanet 100, MedGen C0004135, MONDO:0008840, OMIM 208900.

Submissions (4):

Ambry Genetics
Classification: Pathogenic for Hereditary cancer-predisposing syndrome. Last evaluated: 2025-06-25. Review status: criteria provided, single submitter. Criteria: Ambry Variant Classification Scheme 2023. Collection method: clinical testing. Allele origin: germline.
Comment: The c.2564dupT pathogenic mutation, located in coding exon 16 of the ATM gene, results from a duplication of T at nucleotide position 2564, causing a translational frameshift with a predicted alternate stop codon (p.M855Ifs*5). This variant is considered to be rare based on population cohorts in the Genome Aggregation Database (gnomAD). This alteration is expected to result in loss of function by premature protein truncation or nonsense-mediated mRNA decay. As such, this alteration is interpreted as a disease-causing mutation.

Labcorp Genetics (formerly Invitae), Labcorp
Classification: Pathogenic for Ataxia-telangiectasia syndrome. Last evaluated: 2025-02-25. Review status: criteria provided, single submitter. Criteria: Invitae Variant Classification Sherloc (09022015). Collection method: clinical testing. Allele origin: germline.
Comment: This sequence change creates a premature translational stop signal (p.Met855Ilefs*5) in the ATM gene. It is expected to result in an absent or disrupted protein product. Loss-of-function variants in ATM are known to be pathogenic (PMID: 23807571, 25614872). This variant is not present in population databases (gnomAD no frequency). This variant has not been reported in the literature in individuals affected with ATM-related conditions. ClinVar contains an entry for this variant (Variation ID: 181870). For these reasons, this variant has been classified as Pathogenic.

Myriad Genetics, Inc.
Classification: Pathogenic for Familial cancer of breast. Last evaluated: 2024-01-18. Review status: criteria provided, single submitter. Criteria: Myriad Autosomal Dominant, Autosomal Recessive and X-Linked Classification Criteria (2023). Collection method: clinical testing. Allele origin: unknown.
Comment: This variant is considered pathogenic. This variant creates a frameshift predicted to result in premature protein truncation.

GeneDx
Classification: Pathogenic. Last evaluated: 2014-03-24. Review status: criteria provided, single submitter. Criteria: GeneDx Variant Classification (06012015). Collection method: clinical testing. Allele origin: germline. Affected: yes.
Comment: This pathogenic variant is denoted ATM c.2564dupT at the cDNA level and p.Met855IlefsX5 (M855IfsX5) at the protein level. The normal sequence, with the base that is duplicated in brackets, is TCCA[T]GAAT. The duplication causes a frameshift, which changes a Methionine to an Isoleucine at codon 855, and creates a premature stop codon at position 5 of the new reading frame. This variant is predicted to cause loss of normal protein function through either protein truncation or nonsense-mediated mRNA decay. Although this variant has not been previously reported to our knowledge, it is considered pathogenic.

Literature cited by the submitters: PubMed 23807571 (cited by Labcorp Genetics (formerly Invitae), Labcorp); PubMed 25614872 (cited by Labcorp Genetics (formerly Invitae), Labcorp).

NM_000051.4(ATM):c.2564dup (p.Met855fs)

Gene: ATM (ATM serine/threonine kinase; plus strand). Cytogenetic location: 11q22.3.
Variant type: Duplication.
Coding change: c.2564dup on transcript NM_000051.4 (MANE Select); coding-DNA position 2564, one base duplicated (T; older notation c.2564dupT).
Protein change: p.Met855fs; shifts the reading frame from methionine 855.
Molecular consequence: frameshift variant.
Genome position (GRCh38, 1-based): chr11:108,267,268, T duplicated. VCF-style (leftmost placement, unchanged base first): chr11-108267267-A-AT. GRCh37 (hg19) VCF-style: chr11-108137994-A-AT.
Other names: c.2564dupT (NM_000051.3); c.2564dup, p.Met855fs (NM_001351834.2); short protein forms M855fs.
Identifiers: ClinVar variation 181870 (VCV000181870.10), dbSNP rs730881299, ClinGen allele CA298013.